The following is an entry in ClinVar:

NM_000321.3(RB1):c.103C>T (p.Gln35Ter)

Gene: RB1 (RB transcriptional corepressor 1; plus strand). Cytogenetic location: 13q14.2.
Variant type: single nucleotide variant.
Coding change: c.103C>T on transcript NM_000321.3 (MANE Select); coding-DNA position 103, C replaced by T.
Protein change: p.Gln35Ter; replaces glutamine 35 with a stop codon.
Molecular consequence: nonsense.
Genome position (GRCh38, 1-based): chr13:48,304,015, C>T. VCF-style: chr13-48304015-C-T. GRCh37 (hg19) VCF-style: chr13-48878151-C-T.
Other names: L11910:g.2162C>T; short protein forms Q35*.
Identifiers: ClinVar variation 126818 (VCV000126818.11), dbSNP rs587778869, ClinGen allele CA026359.

ClinVar aggregate classification (germline): Pathogenic. Review status: criteria provided, multiple submitters, no conflicts (2 of 4 stars). 2 submissions from 2 submitters: Pathogenic (2). Last evaluated 2024-05-20.

Conditions:
Retinoblastoma (RB1). Also called: RETINOBLASTOMA, SOMATIC. Identifiers: Orphanet 790, MedGen C0035335, MeSH D012175, MONDO:0008380, OMIM 180200, HP:0009919. Disease mechanism: loss of function. Inheritance: Both sporadic and heritable forms are tested..

Submissions (2):

Genetic Diagnostic Laboratory, University of Pennsylvania School of Medicine
Classification: Pathogenic for Retinoblastoma. Last evaluated: 2024-05-20. Review status: criteria provided, single submitter. Criteria: ACMG Guidelines, 2015. Collection method: clinical testing. Allele origin: germline. Affected: yes. Observed: 2 variant alleles.
Comment: Case and Pedigree Information: BILATERAL CASES:2, UNILATERAL CASES:0, TOTAL CASES:2, PEDIGREES:2. ACMG Codes Applied:PVS1, PM2

Labcorp Genetics (formerly Invitae), Labcorp
Classification: Pathogenic for Retinoblastoma. Last evaluated: 2019-08-21. Review status: criteria provided, single submitter. Criteria: Invitae Variant Classification Sherloc (09022015). Collection method: clinical testing. Allele origin: germline.
Comment: For these reasons, this variant has been classified as Pathogenic. Loss-of-function variants in RB1 are known to be pathogenic (PMID: 17096365). Algorithms developed to predict the effect of sequence changes on RNA splicing suggest that this variant may create or strengthen a splice site, but this prediction has not been confirmed by published transcriptional studies. This variant has been observed in individuals affected with retinoblastoma (PMID: 24688104). ClinVar contains an entry for this variant (Variation ID: 126818). The frequency data for this variant in the population databases is considered unreliable, as metrics indicate insufficient coverage at this position in the ExAC database. This sequence change creates a premature translational stop signal (p.Gln35*) in the RB1 gene. It is expected to result in an absent or disrupted protein product.

Literature cited by the submitters: PubMed 17096365 (cited by Labcorp Genetics (formerly Invitae), Labcorp); PubMed 24688104 (cited by Labcorp Genetics (formerly Invitae), Labcorp).